The following is an entry in ClinVar:

ClinVar aggregate classification (germline): Likely benign (1 of 4 stars; one submission).

Submission:

CeGaT Center for Human Genetics Tuebingen
Classification: Likely benign. Last evaluated: 2023-01-01. Review status: criteria provided, single submitter. Criteria: CeGaT Center For Human Genetics Tuebingen Variant Classification Criteria Version 2. Collection method: clinical testing. Allele origin: germline. Affected: yes. Observed: 1 variant allele.
Comment: ZBTB18: PM2:Supporting, BP4, BP7

NM_205768.3(ZBTB18):c.906A>G (p.Glu302=)

Gene: ZBTB18 (zinc finger and BTB domain containing 18; plus strand). Cytogenetic location: 1q44.
Variant type: single nucleotide variant.
Coding change: c.906A>G on transcript NM_205768.3 (MANE Select); coding-DNA position 906, A replaced by G.
Protein change: p.Glu302=; no amino-acid change (glutamic acid 302 retained).
Molecular consequence: synonymous variant. On other transcripts: 3 prime UTR variant (1).
Genome position (GRCh38, 1-based): chr1:244,054,680, A>G. VCF-style: chr1-244054680-A-G. GRCh37 (hg19) VCF-style: chr1-244217982-A-G.
Other names: c.879A>G, p.Glu293= (NM_001278196.2, NM_006352.5); c.*83A>G (NM_001421566.1).
Identifiers: ClinVar variation 2640218 (VCV002640218.24), dbSNP rs2527558456, ClinGen allele CA424411125.
Genomic context (GRCh38, chr1:244,054,680, plus strand): 5'-GGTGGAGAAAGAGGCTTCCTGTGATGAGAGTGATGTTGGCACTAATGACTATGACATGGA[A>G]CATAGCACTGTGAAAGAAAGTGTGAGCACTAATAACAGGGTACAGTATGAGCCGGCCCAT-3'
Protein context (NP_991331.1, residues 292-312): SDVGTNDYDM[Glu302=]HSTVKESVST